The following is an entry in ClinVar:

ClinVar aggregate classification (germline): Pathogenic. Review status: reviewed by expert panel (3 of 4 stars). 11 submissions from 11 submitters: Pathogenic (1). 10 of the submissions do not count toward it. Last evaluated 2025-06-30.

Conditions:
Leber congenital amaurosis (LCA). Also called: Leber's amaurosis. Identifiers: Orphanet 65, MedGen C0339527, MeSH D057130, MONDO:0018998.
RPE65-related recessive retinopathy. Also called: Recessive RPE65 retinopathy. Identifiers: MedGen CN305526, MONDO:0100368.
Leber congenital amaurosis 2 (LCA2). Also called: AMAUROSIS CONGENITA OF LEBER II; Autosomal Recessive RPE65-Related Retinal Degeneration. Identifiers: Orphanet 65, MedGen C1859844, MONDO:0008765, OMIM 204100. Disease mechanism: loss of function.
Retinitis pigmentosa 20 (RP20). Identifiers: Orphanet 791, MedGen C3151086, MONDO:0013425, OMIM 613794.
RPE65-related disorder. Also called: RPE65-related disorders; RPE65-related condition. Identifiers: MedGen CN239301.
Autosomal recessive retinitis pigmentosa. Identifiers: MedGen C0339526.

Allele frequency attached by ClinVar (database versions not stated): gnomAD 0.00001; TOPMed 0.00001; gnomAD exomes 0.00004; ExAC 0.00006; 1000 Genomes Project 0.00020; 1000 Genomes Project 30x 0.00031.
gnomAD v4.1: 23 of 1,613,952 alleles (0.0014%); highest among the groups gnomAD compares: South Asian, 0.014%; no homozygotes.

Submissions (11):

ClinGen Leber Congenital Amaurosis/early Onset Retinal Dystrophy Variant Curation Expert Panel, ClinGen
Classification: Pathogenic for RPE65-related recessive retinopathy. Last evaluated: 2025-06-30. Review status: reviewed by expert panel. Criteria: ClinGen LCAeoRD ACMG Specifications RPE65 V1.0.0. Collection method: curation. Allele origin: germline. Inheritance: Autosomal recessive inheritance.
Comment: NM_000329.3(RPE65):c.131G>A (p.Arg44Gln) is a missense variant predicted to replace arginine with glutamine at amino acid p.44. This variant is present in gnomAD v.4.1.0 at a GrpMax allele frequency of 0.00008443, with 13 alleles / 91,066 total alleles in the South Asian population, which is lower than the ClinGen LCA / eoRD VCEP PM2_Supporting threshold of <0.0002 (PM2_Supporting). This variant has been reported in at least 4 probands with early-onset severe retinal dystrophy who were homozygous for the variant (1 point, PMID: 20079931, PMID: 20683928, PMID: 25775262, PMID: 31960602). This variant has also been reported in at least 1 proband with early-onset severe retinal dystrophy who was compound heterozygous with the NM_000329.3(RPE65):c.271C>T (p.Arg91Trp) variant suspected in trans (0.5 points, PMID: 20079931), which was previously classified pathogenic by the ClinGen LCA / eoRD VCEP (1.5 total points, PM3). At least one proband harboring this variant exhibits a phenotype including diagnosis of Leber congenital amaurosis (0.5 pts), onset before the age of 5 years (1 pt), strong night blindness, light-seeking behavior (1 pt), absent electroretinogram responses from both rods (0.5 pts) and cones (1 pt), abnormal color vision, reduced central visual acuity (1 pt), hyperopia, esotropia, discrete retinal vessel attenuation in the context of a normal fundus, very small white intraretinal flecks in mid- and far periphery (2 pts), visual field constriction (1 pt), obesity, mild mental retardation, and autism, which together are highly specific for RPE65-related recessive retinopathy (total 8 points, PMID: 20683928, PP4_Moderate). The variant has been reported to segregate with childhood-onset severe retinal dystrophy through the proband plus 2 similarly affected relatives, with the variant present in the homozygous state (PP1_Moderate; PMID: 25775262). The computational predictor REVEL gives a score of 0.971, which is above the ClinGen LCA / eoRD VCEP threshold of ≥0.773 and predicts a damaging effect on RPE65 function (PP3_Moderate). The variant exhibited 0-2% enzymatic activity in a retinoid isomerase assay relative to the wild-type control, which is lower than the ClinGen LCA / eoRD VCEP PS3_Supporting threshold of <10% activity, indicating that it triggers a severe defect in protein function (PMID: 16150724, PMID: 19431183, PS3_Supporting). In summary, this variant meets the criteria to be classified as pathogenic for RPE65-related recessive retinopathy based on the ACMG/AMP criteria applied, as specified by the ClinGen LCA/eoRD VCEP: PS3_Supporting, PM2_Supporting, PM3, PP1_Moderate, PP3_Moderate, and PP4_Moderate. (VCEP specifications version 1.0.0; date of approval 09/21/2023).

Labcorp Genetics (formerly Invitae), Labcorp
Classification: Pathogenic for Leber congenital amaurosis 2; Retinitis pigmentosa 20. Last evaluated: 2026-01-24. Review status: criteria provided, single submitter. Criteria: Invitae Variant Classification Sherloc (09022015). Collection method: clinical testing. Allele origin: germline. Not counted in ClinVar's aggregate classification.
Comment: This sequence change replaces arginine, which is basic and polar, with glutamine, which is neutral and polar, at codon 44 of the RPE65 protein (p.Arg44Gln). This variant is present in population databases (rs61751282, gnomAD 0.02%). This missense change has been observed in individual(s) with Leber's congenital amaurosis (PMID: 11462243, 15024725, 18539930, 19431183, 20079931). In at least one individual the data is consistent with being in trans (on the opposite chromosome) from a pathogenic variant. ClinVar contains an entry for this variant (Variation ID: 98840). Invitae Evidence Modeling of protein sequence and biophysical properties (such as structural, functional, and spatial information, amino acid conservation, physicochemical variation, residue mobility, and thermodynamic stability) has been performed for this missense variant. However, the output from this modeling did not meet the statistical confidence thresholds required to predict the impact of this variant on RPE65 protein function. Experimental studies have shown that this missense change affects RPE65 function (PMID: 16150724). For these reasons, this variant has been classified as Pathogenic.

Women's Health and Genetics/Laboratory Corporation of America, LabCorp
Classification: Pathogenic for Leber congenital amaurosis. Last evaluated: 2025-09-22. Review status: criteria provided, single submitter. Criteria: LabCorp Variant Classification Summary - May 2015. Collection method: clinical testing. Allele origin: germline. Not counted in ClinVar's aggregate classification.
Comment: Variant summary: RPE65 c.131G>A (p.Arg44Gln) results in a conservative amino acid change in the encoded protein sequence. Algorithms developed to predict the effect of missense changes on protein structure and function are either unavailable or do not agree on the potential impact of this missense change. The variant allele was found at a frequency of 4e-05 in 251472 control chromosomes. This frequency is not significantly higher than estimated for disease-causing variants in RPE65, allowing no conclusion about variant significance. c.131G>A has been observed in multiple individuals affected with Leber congenital amaurosis or RPE65-related retinal dystrophies (e.g. Jacobson_2009, Lopez-Rodriguez_2021). These data indicate that the variant is very likely to be associated with disease. Publications reporting experimental evidence evaluating an impact on protein function found that the variant results in <2% of normal activity (e.g. Redmond_2005, Philp_2009). The following publications have been ascertained in the context of this evaluation (PMID: 19117922, 34492281, 19431183, 16150724). ClinVar contains an entry for this variant (Variation ID: 98840). Based on the evidence outlined above, the variant was classified as pathogenic.

Natera, Inc.
Classification: Pathogenic for Leber congenital amaurosis. Last evaluated: 2025-06-13. Review status: criteria provided, single submitter. Criteria: Natera Variant Classification Schema (03/2026). Collection method: clinical testing. Allele origin: germline. Not counted in ClinVar's aggregate classification.
Comment: The c.131G>A variant in RPE65 is a missense variant predicted to cause substitution of arginine to glutamine at amino acid 44. This variant is rare in the general population with a frequency below the threshold expected for the associated phenotype(s). This variant has been observed in one or more individuals affected with the associated recessive disease, as either homozygous or compound heterozygous with a second variant (PMID: 34492281, 31273949, 31736247, 18809924, 19431183, 20683928). This variant has been observed to segregate in affected family members (PMID: 34492281). Functional studies show that this variant may disrupt protein function (PMID: 19431183). Computational prediction algorithms indicate this variant is likely to affect gene or protein function. Given the available evidence, this variant is classified as Pathogenic.

Baylor Genetics
Classification: Pathogenic for Leber congenital amaurosis 2. Last evaluated: 2023-10-04. Review status: criteria provided, single submitter. Criteria: ACMG Guidelines, 2015. Collection method: clinical testing. Allele origin: unknown. Not counted in ClinVar's aggregate classification.

PreventionGenetics, part of Exact Sciences
Classification: Pathogenic for RPE65-related condition. Last evaluated: 2023-04-20. Review status: criteria provided, single submitter. Criteria: ACMG Guidelines, 2015. Collection method: clinical testing. Allele origin: germline. Not counted in ClinVar's aggregate classification.
Comment: The RPE65 c.131G>A variant is predicted to result in the amino acid substitution p.Arg44Gln. This variant in either homozygous state or along with a second causative variant, has been reported in patients with RPE65-associated disorders such as Leber congenital amaurosis (Simovich et al. 2001. PubMed ID: 11462243; Table S1, Patel. 2016. PubMed ID: 26355662; Cideciyan et al. 2008. PubMed ID: 18809924). Functional in vitro studies have shown that this variant resulted in a protein with reduced isomerization activity (~2% of wild-type activity) (Redmond. 2005. PubMed ID: 16150724; Philp. 2009. PubMed ID: 19431183). This variant is reported in 0.016% of alleles in individuals of South Asian descent in gnomAD. This variant is interpreted as pathogenic.

Blueprint Genetics
Classification: Pathogenic for RPE65-related disorders. Last evaluated: 2022-08-03. Review status: criteria provided, single submitter. Criteria: ACMG Guidelines, 2015. Collection method: clinical testing. Allele origin: germline. Affected: yes. Observed: 5 variant alleles. Not counted in ClinVar's aggregate classification.

3billion
Classification: Pathogenic for Retinitis pigmentosa 20. Last evaluated: 2022-01-03. Review status: criteria provided, single submitter. Criteria: ACMG Guidelines, 2015. Collection method: clinical testing. Allele origin: germline. Affected: yes. Observed: 1 homozygote. Not counted in ClinVar's aggregate classification.
Comment: Same nucleotide change resulting in same amino acid change has been previously reported to be associated with RPE65 related disorder (ClinVar ID: VCV000098840, PMID:11462243, PS1_P). The variant has been reported to be in trans with a pathogenic variant as either compound heterozygous or homozygous in at least one similarly affected unrelated individual (PMID: 11462243, 15024725, 20079931, PM3_M). Functional studies provide strong evidence of the variant having a damaging effect on the gene or gene product (PMID: 16150724, 19431183, PS3_S). In silico tool predictions suggest damaging effect of the variant on gene or gene product (REVEL: 0.971, 3CNET: 0.813, PP3_P). A missense variant is a common mechanism associated with Retinitis pigmentosa 20 (PP2_P). It is observed at an extremely low frequency in the gnomAD v2.1.1 dataset (total allele frequency: 0.000040, PM2_M).. Therefore, this variant is classified as pathogenic according to the recommendation of ACMG/AMP guideline.

Faculty of Health Sciences, Beirut Arab University
Classification: Pathogenic for Autosomal recessive Retinitis Pigmentosa. Last evaluated: 2015-09-10. Review status: no assertion criteria provided. Collection method: literature only. Allele origin: germline. Affected: yes. Observed: 1 variant allele. Not counted in ClinVar's aggregate classification.

Laboratory of Genetics in Ophthalmology, Institut Imagine
Classification: Likely pathogenic for Leber congenital amaurosis 2. Review status: no assertion criteria provided. Collection method: research. Allele origin: inherited. Affected: yes. Observed: 1 variant allele. Not counted in ClinVar's aggregate classification.

Retina International
No classification provided. Review status: no classification provided. Collection method: not provided. Allele origin: not provided. Not counted in ClinVar's aggregate classification.

Literature cited by the submitters: PubMed 16150724 (cited by 4 submitters); PubMed 11462243 (cited by 3 submitters); PubMed 15024725 (cited by Labcorp Genetics (formerly Invitae), Labcorp and 3billion); PubMed 18539930 (cited by Labcorp Genetics (formerly Invitae), Labcorp); PubMed 19431183 (cited by 4 submitters); PubMed 20079931 (cited by Labcorp Genetics (formerly Invitae), Labcorp and 3billion); PubMed 34492281 (cited by Women's Health and Genetics/Laboratory Corporation of America, LabCorp and Natera, Inc.); PubMed 19117922 (cited by Women's Health and Genetics/Laboratory Corporation of America, LabCorp); PubMed 31273949 (cited by Natera, Inc.); PubMed 31736247 (cited by Natera, Inc.); PubMed 18809924 (cited by Natera, Inc.); PubMed 20683928 (cited by Natera, Inc.); PubMed 26355662 (cited by Faculty of Health Sciences, Beirut Arab University).

NM_000329.3(RPE65):c.131G>A (p.Arg44Gln)

Gene: RPE65 (retinoid isomerohydrolase RPE65; minus strand). Cytogenetic location: 1p31.3.
Variant type: single nucleotide variant.
Coding change: c.131G>A on transcript NM_000329.3 (MANE Select); coding-DNA position 131, G replaced by A.
Protein change: p.Arg44Gln; replaces arginine 44 with glutamine.
Molecular consequence: missense variant.
Genome position (GRCh38, 1-based): chr1:68,446,824, C>T on the plus strand (G>A on the coding strand, the complement: RPE65 is on the minus strand). VCF-style: chr1-68446824-C-T. GRCh37 (hg19) VCF-style: chr1-68912507-C-T.
Other names: NM_000329.3(RPE65):c.131G>A; short protein forms R44Q.
Identifiers: ClinVar variation 98840 (VCV000098840.19), dbSNP rs61751282, ClinGen allele CA226506.
Genomic context (GRCh38, chr1:68,446,824, plus strand): 5'-TGCCCATCAAACAGGTGGTAAAATGGCTCAGATCCAACTTCAAAGAGTCCTGGCCCACAT[C>T]GAAGGAGACTGCCGGTGAGCCAGAGGGGGATCCTGCCTGTGATGAAGGGGAGACAGAACA-3'
Protein context (NP_000320.1, residues 34-54): IPLWLTGSLL[Arg44Gln]CGPGLFEVGS